The following is an entry in ClinVar:

NM_014679.5(CEP57):c.1396A>T (p.Met466Leu)

Gene: CEP57 (centrosomal protein 57; plus strand). Cytogenetic location: 11q21.
Variant type: single nucleotide variant.
Coding change: c.1396A>T on transcript NM_014679.5 (MANE Select); coding-DNA position 1396, A replaced by T.
Protein change: p.Met466Leu; replaces methionine 466 with leucine.
Molecular consequence: missense variant.
Genome position (GRCh38, 1-based): chr11:95,831,149, A>T. VCF-style: chr11-95831149-A-T. GRCh37 (hg19) VCF-style: chr11-95564313-A-T.
Other names: c.1369A>T, p.Met457Leu (NM_001243776.2); c.1318A>T, p.Met440Leu (NM_001243777.2); c.1315A>T, p.Met439Leu (NM_001363604.2); short protein forms M439L, M440L, M457L, M466L.
Identifiers: ClinVar variation 3831954 (VCV003831954.1).

ClinVar aggregate classification (germline): Uncertain significance (1 of 4 stars; one submission).

Conditions:
Inborn genetic diseases. Identifiers: MedGen C0950123, MeSH D030342.

Submission:

Ambry Genetics
Classification: Uncertain significance for Inborn genetic diseases. Last evaluated: 2025-01-04. Review status: criteria provided, single submitter. Criteria: Ambry Variant Classification Scheme 2023. Collection method: clinical testing. Allele origin: germline.
Comment: The p.M466L variant (also known as c.1396A>T), located in coding exon 11 of the CEP57 gene, results from an A to T substitution at nucleotide position 1396. The methionine at codon 466 is replaced by leucine, an amino acid with highly similar properties. This amino acid position is conserved. In addition, this alteration is predicted to be tolerated by in silico analysis. Based on the available evidence, the clinical significance of this variant remains unclear.